The following is an entry in ClinVar:

NM_000260.4(MYO7A):c.3670G>A (p.Ala1224Thr)

Gene: MYO7A (myosin VIIA; plus strand). Cytogenetic location: 11q13.5.
Variant type: single nucleotide variant.
Coding change: c.3670G>A on transcript NM_000260.4 (MANE Select); coding-DNA position 3670, G replaced by A.
Protein change: p.Ala1224Thr; replaces alanine 1224 with threonine.
Molecular consequence: missense variant.
Genome position (GRCh38, 1-based): chr11:77,190,059, G>A. VCF-style: chr11-77190059-G-A. GRCh37 (hg19) VCF-style: chr11-76901104-G-A.
Other names: c.3670G>A, p.Ala1224Thr (NM_001127180.2); c.3637G>A, p.Ala1213Thr (NM_001369365.1); short protein forms A1213T, A1224T.
Identifiers: ClinVar variation 1305441 (VCV001305441.10), dbSNP rs748928605, ClinGen allele CA6198165.
Genomic context (GRCh38, chr11:77,190,059, plus strand): 5'-CAGCGGGTACTCTGGCTGCAGTACCTGCGGAACTTCATCCACGGGGGCCCGCCCGGCTAC[G>A]CCCCGTACTGTGAGGAGCGCCTGAGAAGGACCTTTGTCAATGGGACACGGACACAGCCGC-3'
Protein context (NP_000251.3, residues 1214-1234): NFIHGGPPGY[Ala1224Thr]PYCEERLRRT

ClinVar aggregate classification (germline): Conflicting classifications of pathogenicity. Review status: criteria provided, conflicting classifications (1 of 4 stars). 3 submissions from 3 submitters: Uncertain significance (2); Likely benign (1). Last evaluated 2026-01-09.

Allele frequency attached by ClinVar (database versions not stated): gnomAD exomes 0.00002; ExAC 0.00004; gnomAD 0.00005; TOPMed 0.00007.
gnomAD v4.1: 34 of 1,572,664 alleles (0.0022%); highest among the groups gnomAD compares: African/African-American, 0.02%; no homozygotes.

Submissions (3):

Labcorp Genetics (formerly Invitae), Labcorp
Classification: Likely benign. Last evaluated: 2026-01-09. Review status: criteria provided, single submitter. Criteria: Invitae Variant Classification Sherloc (09022015). Collection method: clinical testing. Allele origin: germline.

Blueprint Genetics
Classification: Uncertain significance. Last evaluated: 2022-04-11. Review status: criteria provided, single submitter. Criteria: ACMG Guidelines, 2015. Collection method: clinical testing. Allele origin: germline.

GeneDx
Classification: Uncertain significance. Last evaluated: 2020-11-06. Review status: criteria provided, single submitter. Criteria: GeneDx Variant Classification Process June 2021. Collection method: clinical testing. Allele origin: germline. Affected: yes.
Comment: In silico analysis supports that this missense variant has a deleterious effect on protein structure/function; This variant is associated with the following publications: (PMID: 30622556)